The following is an entry in ClinVar:

ClinVar aggregate classification (germline): Likely benign. Review status: criteria provided, multiple submitters, no conflicts (2 of 4 stars). 5 submissions from 5 submitters: Likely benign (5). Last evaluated 2025-12-09.

Allele frequency attached by ClinVar (database versions not stated): ESP Exome Variant Server 0.00008; ExAC 0.00027; gnomAD exomes 0.00045; gnomAD 0.00048 and 0.00051; TOPMed 0.00053.
gnomAD v4.1: 968 of 1,614,002 alleles (0.06%); highest among the groups gnomAD compares: Admixed American, 0.13%; no homozygotes.

Submissions (5):

Labcorp Genetics (formerly Invitae), Labcorp
Classification: Likely benign. Last evaluated: 2025-12-09. Review status: criteria provided, single submitter. Criteria: Invitae Variant Classification Sherloc (09022015). Collection method: clinical testing. Allele origin: germline.

Blueprint Genetics
Classification: Likely benign. Last evaluated: 2024-10-03. Review status: criteria provided, single submitter. Criteria: ACMG Guidelines, 2015. Collection method: clinical testing. Allele origin: germline.

GeneDx
Classification: Likely benign. Last evaluated: 2021-04-30. Review status: criteria provided, single submitter. Criteria: GeneDx Variant Classification Process June 2021. Collection method: clinical testing. Allele origin: germline. Affected: yes.

Athena Diagnostics
Classification: Likely benign. Last evaluated: 2019-07-26. Review status: criteria provided, single submitter. Criteria: Athena Diagnostics Criteria. Collection method: clinical testing. Allele origin: germline.

Laboratory for Molecular Medicine, Mass General Brigham Personalized Medicine
Classification: Likely benign. Last evaluated: 2016-06-07. Review status: criteria provided, single submitter. Criteria: LMM Criteria. Collection method: clinical testing. Allele origin: germline. Observed: 2 variant alleles.
Comment: p.Tyr566Tyr in exon 10 of TSPEAR: This variant is not expected to have clinical significance because it does not alter an amino acid residue and is not located within the splice consensus sequence. It has been identified in 24/66374 Europea n chromosomes by the Exome Aggregation Consortium (ExAC; dbSNP rs62218852).

NM_144991.3(TSPEAR):c.1698C>T (p.Tyr566=)

Genes: TSPEAR (thrombospondin type laminin G domain and EAR repeats; minus strand), TSPEAR-AS1 (TSPEAR antisense RNA 1; plus strand), LOC126653398 (CDK7 strongly-dependent group 2 enhancer GRCh37_chr21:45928270-45929469; plus strand). Cytogenetic location: 21q22.3.
Variant type: single nucleotide variant.
Coding change: c.1698C>T on transcript NM_144991.3 (MANE Select); coding-DNA position 1698, C replaced by T.
Protein change: p.Tyr566=; no amino-acid change (tyrosine 566 retained).
Molecular consequence: synonymous variant. On other transcripts: non-coding transcript variant (1).
Genome position (GRCh38, 1-based): chr21:44,509,255, G>A on the plus strand (C>T on the coding strand, the complement: TSPEAR is on the minus strand). VCF-style: chr21-44509255-G-A. GRCh37 (hg19) VCF-style: chr21-45929138-G-A.
Other names: c.1494C>T, p.Tyr498= (NM_001272037.2).
Identifiers: ClinVar variation 504824 (VCV000504824.18), dbSNP rs62218852, ClinGen allele CA10056415.